The following is an entry in ClinVar:

ClinVar aggregate classification (germline): Uncertain significance (1 of 4 stars; one submission).

Submission:

Women's Health and Genetics/Laboratory Corporation of America, LabCorp
Classification: Uncertain significance. Last evaluated: 2022-09-16. Review status: criteria provided, single submitter. Criteria: LabCorp Variant Classification Summary - May 2015. Collection method: clinical testing. Allele origin: germline.
Comment: Variant summary: PEX5 c.127_128delinsTT (p.Gly43Leu) results in a non-conservative amino acid change in the encoded protein sequence. Four of five in-silico tools predict a benign effect of the variant on protein function. The variant was absent in 246152 control chromosomes (gnomAD). The available data on variant occurrences in the general population are insufficient to allow any conclusion about variant significance. To our knowledge, no occurrence of c.127_128delinsTT in individuals affected with Peroxisome Biogenesis Disorders, Zellweger Syndrome Spectrum and no experimental evidence demonstrating its impact on protein function have been reported. No clinical diagnostic laboratories have submitted clinical-significance assessments for this variant to ClinVar after 2014. Based on the evidence outlined above, the variant was classified as uncertain significance.

NM_001351132.2(PEX5):c.127_128delinsTT (p.Gly43Leu)

Gene: PEX5 (peroxisomal biogenesis factor 5; plus strand). Cytogenetic location: 12p13.31.
Variant type: Indel.
Coding change: c.127_128delinsTT on transcript NM_001351132.2 (MANE Select); coding-DNA positions 127 to 128, GG replaced by TT.
Protein change: p.Gly43Leu; replaces glycine 43 with leucine.
Molecular consequence: missense variant.
Genome position (GRCh38, 1-based): chr12:7,190,504-7,190,505, GG replaced by TT. VCF-style: chr12-7190504-GG-TT. GRCh37 (hg19) VCF-style: chr12-7343100-GG-TT.
Other names: c.127_128delinsTT, p.Gly43Leu (NM_000319.5, NM_001131023.2, NM_001131024.2 and 22 more transcripts); short protein forms G43L.
Identifiers: ClinVar variation 1722368 (VCV001722368.1), dbSNP rs2539801257, ClinGen allele CA2580086320.